The following is an entry in ClinVar:

NM_021009.7(UBC):c.1008C>T (p.Asp336=)

Gene: UBC (ubiquitin C; minus strand). Cytogenetic location: 12q24.31.
Variant type: single nucleotide variant.
Coding change: c.1008C>T on transcript NM_021009.7 (MANE Select); coding-DNA position 1008, C replaced by T.
Protein change: p.Asp336=; no amino-acid change (aspartic acid 336 retained).
Molecular consequence: synonymous variant.
Genome position (GRCh38, 1-based): chr12:124,912,764, G>A on the plus strand (C>T on the coding strand, the complement: UBC is on the minus strand). VCF-style: chr12-124912764-G-A. GRCh37 (hg19) VCF-style: chr12-125397310-G-A.
Identifiers: ClinVar variation 2643568 (VCV002643568.24), dbSNP rs35449209, ClinGen allele CA6870956.

ClinVar aggregate classification (germline): Likely benign (1 of 4 stars; one submission).

Allele frequency attached by ClinVar (database versions not stated): gnomAD 0.00004; ExAC 0.00010.

Submission:

CeGaT Center for Human Genetics Tuebingen
Classification: Likely benign. Last evaluated: 2022-07-01. Review status: criteria provided, single submitter. Criteria: CeGaT Center For Human Genetics Tuebingen Variant Classification Criteria Version 2. Collection method: clinical testing. Allele origin: germline. Affected: yes. Observed: 2 variant alleles.
Comment: UBC: BP4, BP7